The following is an entry in ClinVar:

NM_001172509.2(SATB2):c.2130G>A (p.Met710Ile)

Genes: SATB2 (SATB homeobox 2; minus strand), LOC126806462 (MED14-independent group 3 enhancer GRCh37_chr2:200136608-200137807; plus strand). Cytogenetic location: 2q33.1.
Variant type: single nucleotide variant.
Coding change: c.2130G>A on transcript NM_001172509.2 (MANE Select); coding-DNA position 2130, G replaced by A.
Protein change: p.Met710Ile; replaces methionine 710 with isoleucine.
Molecular consequence: missense variant.
Genome position (GRCh38, 1-based): chr2:199,272,283, C>T on the plus strand (G>A on the coding strand, the complement: SATB2 is on the minus strand). VCF-style: chr2-199272283-C-T. GRCh37 (hg19) VCF-style: chr2-200137006-C-T.
Other names: c.2130G>A, p.Met710Ile (NM_001172517.1, NM_015265.4); short protein forms M710I.
Identifiers: ClinVar variation 3669180 (VCV003669180.2).

ClinVar aggregate classification (germline): Uncertain significance (1 of 4 stars; one submission).

Conditions:
Chromosome 2q32-q33 deletion syndrome (GLASS). Also called: Glass syndrome; 2q33.1 deletion syndrome. Identifiers: Orphanet 251019, MedGen C2676739, MONDO:0012864, OMIM 612313.

gnomAD v4.1: 2 of 1,614,218 alleles (0.00012%); highest among the groups gnomAD compares: Non-Finnish European, 0.00017%; no homozygotes.

Submission:

Labcorp Genetics (formerly Invitae), Labcorp
Classification: Uncertain significance for Chromosome 2q32-q33 deletion syndrome. Last evaluated: 2024-07-06. Review status: criteria provided, single submitter. Criteria: Invitae Variant Classification Sherloc (09022015). Collection method: clinical testing. Allele origin: germline.
Comment: This sequence change replaces methionine, which is neutral and non-polar, with isoleucine, which is neutral and non-polar, at codon 710 of the SATB2 protein (p.Met710Ile). This variant is present in population databases (no rsID available, gnomAD 0.0009%). This variant has not been reported in the literature in individuals affected with SATB2-related conditions. Advanced modeling of protein sequence and biophysical properties (such as structural, functional, and spatial information, amino acid conservation, physicochemical variation, residue mobility, and thermodynamic stability) performed at Invitae indicates that this missense variant is not expected to disrupt SATB2 protein function with a negative predictive value of 80%. In summary, the available evidence is currently insufficient to determine the role of this variant in disease. Therefore, it has been classified as a Variant of Uncertain Significance.